The following is an entry in ClinVar:

ClinVar aggregate classification (germline): Pathogenic. Review status: criteria provided, multiple submitters, no conflicts (2 of 4 stars). 4 submissions from 4 submitters: Pathogenic (3). 1 of the submissions does not count toward it. Last evaluated 2025-02-26.

Conditions:
Breast and/or ovarian cancer. Identifiers: MedGen CN221562.
Hereditary cancer-predisposing syndrome. Also called: Hereditary Cancer Syndrome; Neoplastic Syndromes, Hereditary; Tumor predisposition; Hereditary neoplastic syndrome. Identifiers: Orphanet 140162, MedGen C0027672, MeSH D009386, MONDO:0015356.
Hereditary breast ovarian cancer syndrome. Also called: Hereditary breast and ovarian cancer syndrome; Hereditary breast and ovarian cancer; Hereditary breast and ovarian cancer syndrome (HBOC); Breast and ovarian cancer; Hereditary breast and/or ovarian cancer syndrome; BRCA1- and BRCA2-Associated Hereditary Breast and Ovarian Cancer. Identifiers: Orphanet 145, MedGen C0677776, MeSH D061325, MONDO:0003582. Disease mechanism: loss of function.

Submissions (4):

Labcorp Genetics (formerly Invitae), Labcorp
Classification: Pathogenic for Hereditary breast ovarian cancer syndrome. Last evaluated: 2025-02-26. Review status: criteria provided, single submitter. Criteria: Invitae Variant Classification Sherloc (09022015). Collection method: clinical testing. Allele origin: germline.
Comment: This sequence change creates a premature translational stop signal (p.Ser1970*) in the BRCA2 gene. It is expected to result in an absent or disrupted protein product. Loss-of-function variants in BRCA2 are known to be pathogenic (PMID: 20104584). This variant is not present in population databases (gnomAD no frequency). This premature translational stop signal has been observed in individual(s) with breast and/or ovarian cancer (PMID: 32776218). ClinVar contains an entry for this variant (Variation ID: 480895). For these reasons, this variant has been classified as Pathogenic.

Ambry Genetics
Classification: Pathogenic for Hereditary cancer-predisposing syndrome. Last evaluated: 2025-02-13. Review status: criteria provided, single submitter. Criteria: Ambry Variant Classification Scheme 2023. Collection method: clinical testing. Allele origin: germline.
Comment: The p.S1970* pathogenic mutation (also known as c.5909C>G), located in coding exon 10 of the BRCA2 gene, results from a C to G substitution at nucleotide position 5909. This changes the amino acid from a serine to a stop codon within coding exon 10. This mutation has been identified in multiple individuals diagnosed with ovarian, prostate, and/or breast cancers (Gayther SA et al. Nat. Genet. 1997 Jan;15:103-5; Edwards SM et al. Br. J. Cancer. 2010 Sep;103:918-24; Leongamornlert D et al. Br. J. Cancer. 2014 Mar;110:1663-72; Maxwell KN et al. Am. J. Hum. Genet. 2016 May;98:801-17). In addition to the clinical data presented in the literature, this alteration is expected to result in loss of function by premature protein truncation or nonsense-mediated mRNA decay. As such, this alteration is interpreted as a disease-causing mutation.

Quest Diagnostics Nichols Institute San Juan Capistrano
Classification: Pathogenic. Last evaluated: 2025-02-11. Review status: criteria provided, single submitter. Criteria: Quest Diagnostics criteria. Collection method: clinical testing. Allele origin: unknown.
Comment: The BRCA2 c.5909C>G (p.Ser1970*) variant causes the premature termination of BRCA2 protein synthesis. This variant has been reported in the published literature in individuals with a personal and/or family history of breast and/or ovarian cancer (PMID: 10486320 (1999), 32776218 (2020)) and prostate cancer (PMID: 24556621 (2014)). This variant has not been reported in large, multi-ethnic general populations (Genome Aggregation Database). Based on the available information, this variant is classified as pathogenic.

CZECANCA consortium
Classification: Pathogenic for Breast and/or ovarian cancer. Last evaluated: 2019-06-11. Review status: no assertion criteria provided. Collection method: clinical testing. Allele origin: germline. Affected: yes. Observed: 1 variant allele. Not counted in ClinVar's aggregate classification.

Literature cited by the submitters: PubMed 20104584 (cited by Labcorp Genetics (formerly Invitae), Labcorp); PubMed 32776218 (cited by Labcorp Genetics (formerly Invitae), Labcorp and Quest Diagnostics Nichols Institute San Juan Capistrano); PubMed 20736950 (cited by Ambry Genetics); PubMed 24556621 (cited by Ambry Genetics and Quest Diagnostics Nichols Institute San Juan Capistrano); PubMed 27153395 (cited by Ambry Genetics); PubMed 8988179 (cited by Ambry Genetics); PubMed 36099812 (cited by Quest Diagnostics Nichols Institute San Juan Capistrano); PubMed 10486320 (cited by Quest Diagnostics Nichols Institute San Juan Capistrano); PubMed 32295079 (cited by CZECANCA consortium).

NM_000059.4(BRCA2):c.5909C>G (p.Ser1970Ter)

Gene: BRCA2 (BRCA2 DNA repair associated; plus strand). Cytogenetic location: 13q13.1.
Variant type: single nucleotide variant.
Coding change: c.5909C>G on transcript NM_000059.4 (MANE Select); coding-DNA position 5909, C replaced by G.
Protein change: p.Ser1970Ter; replaces serine 1970 with a stop codon.
Molecular consequence: nonsense.
Genome position (GRCh38, 1-based): chr13:32,340,264, C>G. VCF-style: chr13-32340264-C-G. GRCh37 (hg19) VCF-style: chr13-32914401-C-G.
Other names: short protein forms S1970*.
Identifiers: ClinVar variation 480895 (VCV000480895.9), dbSNP rs80358824, ClinGen allele CA387787511.